The following is an entry in ClinVar:

NM_000797.4(DRD4):c.888C>A (p.Pro296=)

Gene: DRD4 (dopamine receptor D4; plus strand). Cytogenetic location: 11p15.5.
Variant type: single nucleotide variant.
Coding change: c.888C>A on transcript NM_000797.4 (MANE Select); coding-DNA position 888, C replaced by A.
Protein change: p.Pro296=; no amino-acid change (proline 296 retained).
Molecular consequence: synonymous variant.
Genome position (GRCh38, 1-based): chr11:640,137, C>A. VCF-style: chr11-640137-C-A. GRCh37 (hg19) VCF-style: chr11-640137-C-A.
Identifiers: ClinVar variation 4872374 (VCV004872374.2).
Genomic context (GRCh38, chr11:640,137, plus strand): 5'-CGACTGTGCGCCCGCCGCGCCCAGCCTCCCCCAGGACCCCTGCGGCCCCGACTGTGCGCC[C>A]CCCGCGCCCGGCCTCCCCCCGGACCCCTGCGGCTCCAACTGTGCTCCCCCCGACGCCGTC-3'
Protein context (NP_000788.2, residues 286-306): PQDPCGPDCA[Pro296=]PAPGLPPDPC

ClinVar aggregate classification (germline): Likely benign (1 of 4 stars; one submission).

Submission:

CeGaT Center for Human Genetics Tuebingen
Classification: Likely benign. Last evaluated: 2026-05-01. Review status: criteria provided, single submitter. Criteria: CeGaT Center For Human Genetics Tuebingen Variant Classification Criteria Version 2. Collection method: clinical testing. Allele origin: germline. Affected: yes. Observed: 2 variant alleles.
Comment: DRD4: BP4, BP7